The following is an entry in ClinVar:

NM_001267550.2(TTN):c.41609-6A>G

Gene: TTN (titin; minus strand). Cytogenetic location: 2q31.2.
Variant type: single nucleotide variant.
Coding change: c.41609-6A>G on transcript NM_001267550.2 (MANE Select); 6 bases into the intron before coding-DNA position 41609, A replaced by G.
Molecular consequence: intron variant.
Genome position (GRCh38, 1-based): chr2:178,635,721, T>C on the plus strand (A>G on the coding strand, the complement: TTN is on the minus strand). VCF-style: chr2-178635721-T-C. GRCh37 (hg19) VCF-style: chr2-179500448-T-C.
Other names: c.14414-6A>G (NM_003319.4); c.14990-6A>G (NM_133437.4); c.14789-6A>G (NM_133432.3); c.33905-6A>G (NM_133378.4); c.36686-6A>G (NM_001256850.1).
Identifiers: ClinVar variation 509617 (VCV000509617.11), dbSNP rs754210075, ClinGen allele CA1996226.
Genomic context (GRCh38, chr2:178,635,721, plus strand): 5'-TTGGGTTTCACATGCTGGTCTCGTATAGGTTTCACCAGCCAATCTCTAATGACTTCTATA[T>C]GAAAATAAGATCAGAAAAAATGATTAAGGTCTGAACAAGTAATATACATAGCTTCCTTAG-3'

ClinVar aggregate classification (germline): Likely benign. Review status: criteria provided, multiple submitters, no conflicts (2 of 4 stars). 3 submissions from 3 submitters: Likely benign (3). Last evaluated 2025-10-28.

Conditions:
TTN-related disorder. Also called: TTN-related condition; TTN-related disease; TTN-related disorders.
Autosomal recessive limb-girdle muscular dystrophy type 2J (LGMDR10). Also called: Limb-girdle muscular dystrophy, type 2J; MUSCULAR DYSTROPHY, LIMB-GIRDLE, AUTOSOMAL RECESSIVE 10. Identifiers: Orphanet 140922, MedGen C1837342, MONDO:0012127, OMIM 608807.
Dilated cardiomyopathy 1G (CMD1G). Identifiers: Orphanet 154, MedGen C1858763, MONDO:0011400, OMIM 604145.

Allele frequency attached by ClinVar (database versions not stated): gnomAD 0.00001; gnomAD exomes 0.00001; TOPMed 0.00001; ExAC 0.00003.
gnomAD v4.1: 26 of 1,588,166 alleles (0.0016%); highest among the groups gnomAD compares: Non-Finnish European, 0.0022%; no homozygotes.

Submissions (3):

Labcorp Genetics (formerly Invitae), Labcorp
Classification: Likely benign for Dilated cardiomyopathy 1G; Autosomal recessive limb-girdle muscular dystrophy type 2J. Last evaluated: 2025-10-28. Review status: criteria provided, single submitter. Criteria: Invitae Variant Classification Sherloc (09022015). Collection method: clinical testing. Allele origin: germline.

PreventionGenetics, part of Exact Sciences
Classification: Likely benign for TTN-related condition. Last evaluated: 2025-06-05. Review status: criteria provided, single submitter. Criteria: ACMG Guidelines, 2015. Collection method: clinical testing. Allele origin: germline.
Comment: This variant is classified as likely benign based on ACMG/AMP sequence variant interpretation guidelines (Richards et al. 2015 PMID: 25741868, with internal and published modifications).

GeneDx
Classification: Likely benign. Last evaluated: 2017-05-11. Review status: criteria provided, single submitter. Criteria: GeneDx Variant Classification (06012015). Collection method: clinical testing. Allele origin: germline. Affected: yes.
Comment: This variant is considered likely benign or benign based on one or more of the following criteria: it is a conservative change, it occurs at a poorly conserved position in the protein, it is predicted to be benign by multiple in silico algorithms, and/or has population frequency not consistent with disease.